The following is an entry in ClinVar:

ClinVar aggregate classification (germline): Uncertain significance (1 of 4 stars; one submission).

Conditions:
Noonan syndrome 9 (NS9). Identifiers: Orphanet 648, MedGen C4225282, MONDO:0014691, OMIM 616559.

Submission:

Labcorp Genetics (formerly Invitae), Labcorp
Classification: Uncertain significance for Noonan syndrome 9. Last evaluated: 2022-07-11. Review status: criteria provided, single submitter. Criteria: Invitae Variant Classification Sherloc (09022015). Collection method: clinical testing. Allele origin: germline.
Comment: This sequence change replaces serine, which is neutral and polar, with cysteine, which is neutral and slightly polar, at codon 1128 of the SOS2 protein (p.Ser1128Cys). This variant is not present in population databases (gnomAD no frequency). This variant has not been reported in the literature in individuals affected with SOS2-related conditions. ClinVar contains an entry for this variant (Variation ID: 573916). Advanced modeling of protein sequence and biophysical properties (such as structural, functional, and spatial information, amino acid conservation, physicochemical variation, residue mobility, and thermodynamic stability) performed at Invitae indicates that this missense variant is not expected to disrupt SOS2 protein function. In summary, the available evidence is currently insufficient to determine the role of this variant in disease. Therefore, it has been classified as a Variant of Uncertain Significance.

NM_006939.4(SOS2):c.3383C>G (p.Ser1128Cys)

Gene: SOS2 (SOS Ras/Rho guanine nucleotide exchange factor 2; minus strand). Cytogenetic location: 14q21.3.
Variant type: single nucleotide variant.
Coding change: c.3383C>G on transcript NM_006939.4 (MANE Select); coding-DNA position 3383, C replaced by G.
Protein change: p.Ser1128Cys; replaces serine 1128 with cysteine.
Molecular consequence: missense variant.
Genome position (GRCh38, 1-based): chr14:50,120,381, G>C on the plus strand (C>G on the coding strand, the complement: SOS2 is on the minus strand). VCF-style: chr14-50120381-G-C. GRCh37 (hg19) VCF-style: chr14-50587099-G-C.
Other names: short protein forms S1128C.
Identifiers: ClinVar variation 573916 (VCV000573916.10), dbSNP rs1566815476, ClinGen allele CA389639413.